The following is an entry in ClinVar:

ClinVar aggregate classification (germline): Uncertain significance. Review status: criteria provided, multiple submitters, no conflicts (2 of 4 stars). 2 submissions from 2 submitters: Uncertain significance (2). Last evaluated 2026-04-07.

Conditions:
Inborn genetic diseases. Identifiers: MedGen C0950123, MeSH D030342.

Allele frequency attached by ClinVar (database versions not stated): ExAC 0.00002.
gnomAD v4.1: 72 of 1,612,230 alleles (0.0045%); highest among the groups gnomAD compares: Non-Finnish European, 0.0059%; no homozygotes.

Submissions (2):

GeneDx
Classification: Uncertain significance. Last evaluated: 2026-04-07. Review status: criteria provided, single submitter. Criteria: GeneDx Variant Classification Process June 2021. Collection method: clinical testing. Allele origin: germline.
Comment: Not observed at significant frequency in large population cohorts (gnomAD); In silico analysis supports that this missense variant has a deleterious effect on protein structure/function; Has not been previously published as pathogenic or benign to our knowledge

Ambry Genetics
Classification: Uncertain significance for Inborn genetic diseases. Last evaluated: 2022-05-25. Review status: criteria provided, single submitter. Criteria: Ambry Variant Classification Scheme 2023. Collection method: clinical testing. Allele origin: germline.

NM_017646.6(TRIT1):c.136C>T (p.Arg46Trp)

Genes: MYCL-AS1 (MYCL antisense RNA 1; plus strand), TRIT1 (tRNA isopentenyltransferase 1; minus strand). Cytogenetic location: 1p34.2.
Variant type: single nucleotide variant.
Coding change: c.136C>T on transcript NM_017646.6 (MANE Select); coding-DNA position 136, C replaced by T.
Protein change: p.Arg46Trp; replaces arginine 46 with tryptophan.
Molecular consequence: missense variant. On other transcripts: non-coding transcript variant (1).
Genome position (GRCh38, 1-based): chr1:39,883,356, G>A on the plus strand (C>T on the coding strand, the complement: TRIT1 is on the minus strand). VCF-style: chr1-39883356-G-A. GRCh37 (hg19) VCF-style: chr1-40349028-G-A.
Other names: c.136C>T, p.Arg46Trp (NM_001312691.2, NM_001312692.2); short protein forms R46W.
Identifiers: ClinVar variation 2212282 (VCV002212282.3), dbSNP rs747839263, ClinGen allele CA788202.